The following is an entry in ClinVar:

ClinVar aggregate classification (germline): Uncertain significance (1 of 4 stars; one submission).

Conditions:
DICER1-related tumor predisposition. Also called: DICER1-related pleuropulmonary blastoma cancer predisposition syndrome; DICER1 syndrome. Identifiers: Orphanet 284343, MedGen C3839822, MONDO:0100216.

Submission:

Labcorp Genetics (formerly Invitae), Labcorp
Classification: Uncertain significance for DICER1-related tumor predisposition. Last evaluated: 2026-01-04. Review status: criteria provided, single submitter. Criteria: Invitae Variant Classification Sherloc (09022015). Collection method: clinical testing. Allele origin: germline.
Comment: This sequence change falls in intron 2 of the DICER1 gene. It does not directly change the encoded amino acid sequence of the DICER1 protein. It affects a nucleotide within the consensus splice site. This variant is not present in population databases (gnomAD no frequency). This variant has not been reported in the literature in individuals affected with DICER1-related conditions. Variants that disrupt the consensus splice site are a relatively common cause of aberrant splicing (PMID: 17576681, 9536098). Algorithms developed to predict the effect of sequence changes on RNA splicing suggest that this variant is not likely to affect RNA splicing. In summary, the available evidence is currently insufficient to determine the role of this variant in disease. Therefore, it has been classified as a Variant of Uncertain Significance.

Literature cited by the submitters: PubMed 17576681; PubMed 9536098.

NM_177438.3(DICER1):c.145-3T>C

Gene: DICER1 (dicer 1, ribonuclease III; minus strand). Cytogenetic location: 14q32.13.
Variant type: single nucleotide variant.
Coding change: c.145-3T>C on transcript NM_177438.3 (MANE Select); 3 bases into the intron before coding-DNA position 145, T replaced by C.
Molecular consequence: intron variant.
Genome position (GRCh38, 1-based): chr14:95,132,680, A>G on the plus strand (T>C on the coding strand, the complement: DICER1 is on the minus strand). VCF-style: chr14-95132680-A-G. GRCh37 (hg19) VCF-style: chr14-95599017-A-G.
Other names: c.145-3T>C (NM_001291628.2, NM_030621.4, NM_001395677.1 and 14 more transcripts); c.-130-3T>C (NM_001395690.1, NM_001395687.1, NM_001395689.1 and 4 more transcripts); c.-314-3T>C (NM_001395691.1); c.-1424-3T>C (NM_001395697.1).
Identifiers: ClinVar variation 4734378 (VCV004734378.1).